The following is an entry in ClinVar:

NC_000023.10:g.(?_135067662)_(135084392_?)dup

Gene: SLC9A6 (solute carrier family 9 member A6; plus strand). Cytogenetic location: Xq26.3.
Variant type: Duplication.
Identifiers: ClinVar variation 3245242 (VCV003245242.1).

ClinVar aggregate classification (germline): Uncertain significance (1 of 4 stars; one submission).

Conditions:
Christianson syndrome (MRXSCH). Also called: X-linked mental retardation, syndromic, Christianson type; SLC9A6-Related Syndromic Mental Retardation; INTELLECTUAL DEVELOPMENTAL DISORDER, X-LINKED, SYNDROMIC, CHRISTIANSON TYPE. Identifiers: Orphanet 85278, MedGen C2678194, MONDO:0010278, OMIM 300243.

Submission:

Labcorp Genetics (formerly Invitae), Labcorp
Classification: Uncertain significance for Christianson syndrome. Last evaluated: 2023-09-10. Review status: criteria provided, single submitter. Criteria: Invitae Variant Classification Sherloc (09022015). Collection method: clinical testing. Allele origin: unknown.
Comment: This variant results in a copy number gain of the genomic region encompassing exon(s) 1-6 of the SLC9A6 gene. This region includes the initiator codon of the gene. This copy number gain extends beyond the assayed region for this gene and therefore may encompass additional genes. As the precise location of this event is unknown, it may be in tandem or it may be located elsewhere in the genome. This variant has not been reported in the literature in individuals affected with SLC9A6-related conditions. Experimental studies and prediction algorithms are not available or were not evaluated, and the functional significance of this variant is currently unknown. In summary, the available evidence is currently insufficient to determine the role of this variant in disease. Therefore, it has been classified as a Variant of Uncertain Significance.